The following is an entry in ClinVar:

NM_152641.4(ARID2):c.2897C>T (p.Pro966Leu)

Gene: ARID2 (AT-rich interaction domain 2; plus strand). Cytogenetic location: 12q12.
Variant type: single nucleotide variant.
Coding change: c.2897C>T on transcript NM_152641.4 (MANE Select); coding-DNA position 2897, C replaced by T.
Protein change: p.Pro966Leu; replaces proline 966 with leucine.
Molecular consequence: missense variant.
Genome position (GRCh38, 1-based): chr12:45,851,020, C>T. VCF-style: chr12-45851020-C-T. GRCh37 (hg19) VCF-style: chr12-46244803-C-T.
Other names: c.2897C>T, p.Pro966Leu (NM_001347839.2); short protein forms P966L.
Identifiers: ClinVar variation 3369096 (VCV003369096.1).

ClinVar aggregate classification (germline): Uncertain significance (1 of 4 stars; one submission).

Submission:

GeneDx
Classification: Uncertain significance. Last evaluated: 2024-02-09. Review status: criteria provided, single submitter. Criteria: GeneDx Variant Classification Process June 2021. Collection method: clinical testing. Allele origin: germline. Affected: yes.
Comment: Not observed at significant frequency in large population cohorts (gnomAD); In silico analysis supports that this missense variant does not alter protein structure/function; Has not been previously published as pathogenic or benign to our knowledge